The following is an entry in ClinVar:

ClinVar aggregate classification (germline): Uncertain significance (1 of 4 stars; one submission).

Conditions:
Developmental and epileptic encephalopathy, 54. Also called: Epileptic encephalopathy, early infantile, 54; HNRNPU-Related Neurodevelopmental Disorder. Identifiers: MedGen C4479319, MONDO:0033363, OMIM 617391.

Allele frequency attached by ClinVar (database versions not stated): gnomAD exomes below 0.00001; ExAC 0.00001; TOPMed 0.00001.

Submission:

Labcorp Genetics (formerly Invitae), Labcorp
Classification: Uncertain significance for Developmental and epileptic encephalopathy, 54. Last evaluated: 2020-11-04. Review status: criteria provided, single submitter. Criteria: Invitae Variant Classification Sherloc (09022015). Collection method: clinical testing. Allele origin: germline.
Comment: This variant has not been reported in the literature in individuals with HNRNPU-related conditions. This variant is present in population databases (rs770985819, ExAC 0.002%). This sequence change affects codon 345 of the HNRNPU mRNA. It is a 'silent' change, meaning that it does not change the encoded amino acid sequence of the HNRNPU protein. Algorithms developed to predict the effect of sequence changes on RNA splicing suggest that this variant may create or strengthen a splice site, but this prediction has not been confirmed by published transcriptional studies. In summary, the available evidence is currently insufficient to determine the role of this variant in disease. Therefore, it has been classified as a Variant of Uncertain Significance.

NM_031844.3(HNRNPU):c.1035A>G (p.Pro345=)

Gene: HNRNPU (heterogeneous nuclear ribonucleoprotein U; minus strand). Cytogenetic location: 1q44.
Variant type: single nucleotide variant.
Coding change: c.1035A>G on transcript NM_031844.3 (MANE Select); coding-DNA position 1035, A replaced by G.
Protein change: p.Pro345=; no amino-acid change (proline 345 retained).
Molecular consequence: synonymous variant.
Genome position (GRCh38, 1-based): chr1:244,859,357, T>C on the plus strand (A>G on the coding strand, the complement: HNRNPU is on the minus strand). VCF-style: chr1-244859357-T-C. GRCh37 (hg19) VCF-style: chr1-245022659-T-C.
Other names: c.978A>G, p.Pro326= (NM_004501.3).
Identifiers: ClinVar variation 1008476 (VCV001008476.47), dbSNP rs770985819, ClinGen allele CA1486580.